The following is an entry in ClinVar:

NM_001848.3(COL6A1):c.588+1G>C

Gene: COL6A1 (collagen type VI alpha 1 chain; plus strand). Cytogenetic location: 21q22.3.
Variant type: single nucleotide variant.
Coding change: c.588+1G>C on transcript NM_001848.3 (MANE Select); the canonical splice donor site of the intron after coding-DNA position 588, G replaced by C.
Molecular consequence: splice donor variant.
Genome position (GRCh38, 1-based): chr21:45,986,686, G>C. VCF-style: chr21-45986686-G-C. GRCh37 (hg19) VCF-style: chr21-47406600-G-C.
Identifiers: ClinVar variation 4729073 (VCV004729073.1).

ClinVar aggregate classification (germline): Likely pathogenic (1 of 4 stars; one submission).

Conditions:
Bethlem myopathy 1A. Also called: MYOPATHY, BENIGN CONGENITAL, WITH CONTRACTURES; Bethlem myopathy 1; Bethlem Muscular Dystrophy. Identifiers: Orphanet 610, MedGen CN029274, MONDO:0024530, OMIM 158810.

Submission:

Labcorp Genetics (formerly Invitae), Labcorp
Classification: Likely pathogenic for Bethlem myopathy 1A. Last evaluated: 2025-10-12. Review status: criteria provided, single submitter. Criteria: Invitae Variant Classification Sherloc (09022015). Collection method: clinical testing. Allele origin: germline.
Comment: This sequence change affects a donor splice site in intron 4 of the COL6A1 gene. It is expected to disrupt RNA splicing. Variants that disrupt the donor or acceptor splice site typically lead to a loss of protein function (PMID: 16199547), and loss-of-function variants in COL6A1 are known to be pathogenic (PMID: 19884007, 20976770). This variant is not present in population databases (gnomAD no frequency). This variant has not been observed in the literature in individuals with autosomal recessive COL6A1-related conditions. This variant has been reported in individual(s) with autosomal dominant COL6A1-related conditions (PMID: 20976770); however, the role of the variant in this condition is currently unclear. Algorithms developed to predict the effect of sequence changes on RNA splicing suggest that this variant may disrupt the consensus splice site. In summary, the currently available evidence indicates that the variant is pathogenic, but additional data are needed to prove that conclusively. Therefore, this variant has been classified as Likely Pathogenic.

Literature cited by the submitters: PubMed 16199547; PubMed 19884007; PubMed 20976770.